The following is an entry in ClinVar:

ClinVar aggregate classification (germline): Uncertain significance (1 of 4 stars; one submission).

Conditions:
Contractures, pterygia, and spondylocarpotarsal fusion syndrome 1A (CPSFS1A). Also called: Contractures, pterygia, and variable skeletal fusions syndrome 1A; MULTIPLE PTERYGIUM SYNDROME, AUTOSOMAL DOMINANT; Distal arthrogryposis type 8. Identifiers: Orphanet 65743, MedGen C1867440, MONDO:0008338, OMIM 178110.

Allele frequency attached by ClinVar (database versions not stated): gnomAD exomes below 0.00001.
gnomAD v4.1: 2 of 1,613,574 alleles (0.00012%); highest among the groups gnomAD compares: East Asian, 0.0045%; no homozygotes.

Submission:

3billion
Classification: Uncertain significance for Contractures, pterygia, and spondylocarpotarsal fusion syndrome 1A. Review status: criteria provided, single submitter. Criteria: ACMG Guidelines, 2015. Collection method: clinical testing. Allele origin: unknown. Affected: yes. Observed: 1 heterozygote.
Comment: The variant is not observed in the gnomAD v2.1.1 dataset. In silico tool predictions suggest damaging effect of the variant on gene or gene product (REVEL: 0.73). However, the evidence of pathogenicity is insufficient at this time. Therefore, this variant is classified as Uncertain significance according to the recommendation of ACMG/AMP guideline.

NM_002470.4(MYH3):c.1156G>T (p.Ala386Ser)

Gene: MYH3 (myosin heavy chain 3; minus strand). Cytogenetic location: 17p13.1.
Variant type: single nucleotide variant.
Coding change: c.1156G>T on transcript NM_002470.4 (MANE Select); coding-DNA position 1156, G replaced by T.
Protein change: p.Ala386Ser; replaces alanine 386 with serine.
Molecular consequence: missense variant.
Genome position (GRCh38, 1-based): chr17:10,644,688, C>A on the plus strand (G>T on the coding strand, the complement: MYH3 is on the minus strand). VCF-style: chr17-10644688-C-A. GRCh37 (hg19) VCF-style: chr17-10548005-C-A.
Other names: short protein forms A386S.
Identifiers: ClinVar variation 2572488 (VCV002572488.1), dbSNP rs2074304048, ClinGen allele CA398175840.